The following is an entry in ClinVar:

ClinVar aggregate classification (germline): Uncertain significance (1 of 4 stars; one submission).

Submission:

Ambry Genetics
Classification: Uncertain significance. Last evaluated: 2023-11-03. Review status: criteria provided, single submitter. Criteria: Ambry Variant Classification Scheme 2023. Collection method: clinical testing. Allele origin: germline.
Comment: The p.D16E variant (also known as c.48C>A), located in coding exon 1 of the PALLD gene, results from a C to A substitution at nucleotide position 48. The aspartic acid at codon 16 is replaced by glutamic acid, an amino acid with highly similar properties. This amino acid position is conserved. In addition, this alteration is predicted to be tolerated by in silico analysis. Since supporting evidence is limited at this time, the clinical significance of this alteration remains unclear.

NM_001166108.2(PALLD):c.48C>A (p.Asp16Glu)

Gene: PALLD (palladin, cytoskeletal associated protein; plus strand). Cytogenetic location: 4q32.3.
Variant type: single nucleotide variant.
Coding change: c.48C>A on transcript NM_001166108.2 (MANE Select); coding-DNA position 48, C replaced by A.
Protein change: p.Asp16Glu; replaces aspartic acid 16 with glutamic acid.
Molecular consequence: missense variant.
Genome position (GRCh38, 1-based): chr4:168,511,552, C>A. VCF-style: chr4-168511552-C-A. GRCh37 (hg19) VCF-style: chr4-169432703-C-A.
Other names: c.48C>A, p.Asp16Glu (NM_016081.4); short protein forms D16E.
Identifiers: ClinVar variation 3226819 (VCV003226819.1), dbSNP rs1404049802, ClinGen allele CA358724092.
Genomic context (GRCh38, chr4:168,511,552, plus strand): 5'-AGACCGTTCAAATATGTCAGGGACCTCCTCCCATGAGTCCTTCTATGACTCCCTCTCAGA[C>A]ATGCAGGAAGAAAGCAAGAATACTGACTTCTTCCCGGGCCTTTCTGCTTTCCTCAGCCAG-3'
Protein context (NP_001159580.1, residues 6-26): SHESFYDSLS[Asp16Glu]MQEESKNTDF